The following is an entry in ClinVar:

NM_012330.4(KAT6B):c.3997G>A (p.Val1333Ile)

Gene: KAT6B (lysine acetyltransferase 6B; plus strand). Cytogenetic location: 10q22.2.
Variant type: single nucleotide variant.
Coding change: c.3997G>A on transcript NM_012330.4 (MANE Select); coding-DNA position 3997, G replaced by A.
Protein change: p.Val1333Ile; replaces valine 1333 with isoleucine.
Molecular consequence: missense variant.
Genome position (GRCh38, 1-based): chr10:75,028,821, G>A. VCF-style: chr10-75028821-G-A. GRCh37 (hg19) VCF-style: chr10-76788579-G-A.
Other names: c.3448G>A, p.Val1150Ile (NM_001256468.2, NM_001370138.1); c.3121G>A, p.Val1041Ile (NM_001256469.2, NM_001370139.1, NM_001370140.1 and 2 more transcripts); c.2959G>A, p.Val987Ile (NM_001370132.1); c.2308G>A, p.Val770Ile (NM_001370133.1); c.1912G>A, p.Val638Ile (NM_001370134.1); c.1654G>A, p.Val552Ile (NM_001370135.1); c.3997G>A, p.Val1333Ile (NM_001370136.1, NM_001370137.1); c.2932G>A, p.Val978Ile (NM_001370143.1, NM_001370144.1); and 1 more; short protein forms V1041I, V1150I, V1333I, V552I, V638I, V770I, V978I, V987I.
Identifiers: ClinVar variation 2416052 (VCV002416052.5), dbSNP rs997181148, ClinGen allele CA209709342.
Genomic context (GRCh38, chr10:75,028,821, plus strand): 5'-GAAACTGGGGAAGCCCTGTTGCCTCAAGAGGAAAACAGAAGGGAAGAAACATGTGCCCCT[G>A]TAAGTCCAAACACATCACCAGGTGAAAAACCAGAAGATGATCTCATCAAACCTGAGGAAG-3'
Protein context (NP_036462.2, residues 1323-1343): ENRREETCAP[Val1333Ile]SPNTSPGEKP

ClinVar aggregate classification (germline): Uncertain significance. Review status: criteria provided, multiple submitters, no conflicts (2 of 4 stars). 2 submissions from 2 submitters: Uncertain significance (2). Last evaluated 2025-11-05.

Conditions:
Genitopatellar syndrome (GTPTS). Also called: Genitopatellar syndrome (GPS); ABSENT PATELLAE, SCROTAL HYPOPLASIA, RENAL ANOMALIES, FACIAL DYSMORPHISM, AND MENTAL RETARDATION. Identifiers: Orphanet 85201, MedGen C1853566, MONDO:0011640, OMIM 606170.
Inborn genetic diseases. Identifiers: MedGen C0950123, MeSH D030342.

Allele frequency attached by ClinVar (database versions not stated): gnomAD exomes below 0.00001; TOPMed 0.00002.
gnomAD v4.1: 2 of 1,614,064 alleles (0.00012%); highest among the groups gnomAD compares: South Asian, 0.0022%; no homozygotes.

Submissions (2):

Ambry Genetics
Classification: Uncertain significance for Inborn genetic diseases. Last evaluated: 2025-11-05. Review status: criteria provided, single submitter. Criteria: Ambry Variant Classification Scheme 2023. Collection method: clinical testing. Allele origin: germline.

Labcorp Genetics (formerly Invitae), Labcorp
Classification: Uncertain significance for Genitopatellar syndrome. Last evaluated: 2021-12-15. Review status: criteria provided, single submitter. Criteria: Invitae Variant Classification Sherloc (09022015). Collection method: clinical testing. Allele origin: germline.
Comment: In summary, the available evidence is currently insufficient to determine the role of this variant in disease. Therefore, it has been classified as a Variant of Uncertain Significance. Algorithms developed to predict the effect of missense changes on protein structure and function output the following: SIFT: "Tolerated"; PolyPhen-2: "Benign"; Align-GVGD: "Class C0". The isoleucine amino acid residue is found in multiple mammalian species, which suggests that this missense change does not adversely affect protein function. This variant has not been reported in the literature in individuals affected with KAT6B-related conditions. This variant is not present in population databases (gnomAD no frequency). This sequence change replaces valine, which is neutral and non-polar, with isoleucine, which is neutral and non-polar, at codon 1333 of the KAT6B protein (p.Val1333Ile).